The following is an entry in ClinVar:

ClinVar aggregate classification (germline): Uncertain significance (1 of 4 stars; one submission).

Conditions:
Inborn genetic diseases. Identifiers: MedGen C0950123, MeSH D030342.

gnomAD v4.1: 1 of 1,613,900 alleles (0.000062%); no homozygotes.

Submission:

Ambry Genetics
Classification: Uncertain significance for Inborn genetic diseases. Last evaluated: 2022-02-28. Review status: criteria provided, single submitter. Criteria: Ambry Variant Classification Scheme 2023. Collection method: clinical testing. Allele origin: germline.
Comment: The p.M507T variant (also known as c.1520T>C), located in coding exon 11 of the AARS gene, results from a T to C substitution at nucleotide position 1520. The methionine at codon 507 is replaced by threonine, an amino acid with similar properties. This amino acid position is conserved. In addition, this alteration is predicted to be tolerated by in silico analysis. Since supporting evidence is limited at this time, the clinical significance of this alteration remains unclear.

NM_001605.3(AARS1):c.1520T>C (p.Met507Thr)

Gene: AARS1 (alanyl-tRNA synthetase 1; minus strand). Cytogenetic location: 16q22.1.
Variant type: single nucleotide variant.
Coding change: c.1520T>C on transcript NM_001605.3 (MANE Select); coding-DNA position 1520, T replaced by C.
Protein change: p.Met507Thr; replaces methionine 507 with threonine.
Molecular consequence: missense variant.
Genome position (GRCh38, 1-based): chr16:70,262,497, A>G on the plus strand (T>C on the coding strand, the complement: AARS1 is on the minus strand). VCF-style: chr16-70262497-A-G. GRCh37 (hg19) VCF-style: chr16-70296400-A-G.
Other names: short protein forms M507T.
Identifiers: ClinVar variation 1799995 (VCV001799995.2), dbSNP rs2507003857, ClinGen allele CA396560332.
Genomic context (GRCh38, chr16:70,262,497, plus strand): 5'-ACTCCACACTCCTGGCCTGTGGACACCTCTTCCACGAACATCTTCTCCCTGCGCAGAGCC[A>G]TCACCGTAGCCACTGTGTTCTCAAATACTGCTCAAGGGAAATGCATAGAAAGGGGACAGT-3'
Protein context (NP_001596.2, residues 497-517): YVFENTVATV[Met507Thr]ALRREKMFVE